The following is an entry in ClinVar:

NM_173630.4(RTTN):c.2990C>T (p.Ala997Val)

Gene: RTTN (rotatin; minus strand). Cytogenetic location: 18q22.2.
Variant type: single nucleotide variant.
Coding change: c.2990C>T on transcript NM_173630.4 (MANE Select); coding-DNA position 2990, C replaced by T.
Protein change: p.Ala997Val; replaces alanine 997 with valine.
Molecular consequence: missense variant.
Genome position (GRCh38, 1-based): chr18:70,128,511, G>A on the plus strand (C>T on the coding strand, the complement: RTTN is on the minus strand). VCF-style: chr18-70128511-G-A. GRCh37 (hg19) VCF-style: chr18-67795747-G-A.
Other names: c.254C>T, p.Ala85Val (NM_001318520.2); short protein forms A997V, A85V.
Identifiers: ClinVar variation 130174 (VCV000130174.18), dbSNP rs143471549, ClinGen allele CA231464.

ClinVar aggregate classification (germline): Conflicting classifications of pathogenicity. Review status: criteria provided, conflicting classifications (1 of 4 stars). 5 submissions from 5 submitters: Uncertain significance (2); Benign (2). 1 of the submissions does not count toward it. Last evaluated 2026-01-29.

Conditions:
RTTN-related disorder. Also called: RTTN-related condition.
Inborn genetic diseases. Identifiers: MedGen C0950123, MeSH D030342.

Allele frequency attached by ClinVar (database versions not stated): gnomAD exomes 0.00025 and 0.00061; ExAC 0.00079; 1000 Genomes Project 0.00240; gnomAD 0.00241 and 0.00255; ESP Exome Variant Server 0.00274; TOPMed 0.00287; 1000 Genomes Project 30x 0.00312.
gnomAD v4.1: 731 of 1,612,916 alleles (0.045%); highest among the groups gnomAD compares: African/African-American, 0.87%; 2 homozygotes.

Submissions (5):

Labcorp Genetics (formerly Invitae), Labcorp
Classification: Benign. Last evaluated: 2026-01-29. Review status: criteria provided, single submitter. Criteria: Invitae Variant Classification Sherloc (09022015). Collection method: clinical testing. Allele origin: germline.

Ambry Genetics
Classification: Uncertain significance for Inborn genetic diseases. Last evaluated: 2024-01-03. Review status: criteria provided, single submitter. Criteria: Ambry Variant Classification Scheme 2023. Collection method: clinical testing. Allele origin: germline.

GeneDx
Classification: Benign. Last evaluated: 2021-01-04. Review status: criteria provided, single submitter. Criteria: GeneDx Variant Classification Process June 2021. Collection method: clinical testing. Allele origin: germline. Affected: yes.

Genetic Services Laboratory, University of Chicago
Classification: Uncertain significance. Last evaluated: 2013-10-24. Review status: criteria provided, single submitter. Criteria: ACMG Guidelines, 2007. Collection method: clinical testing. Allele origin: germline. Inheritance: Autosomal recessive inheritance.

PreventionGenetics, part of Exact Sciences
Classification: Benign for RTTN-related condition. Last evaluated: 2019-12-18. Review status: no assertion criteria provided. Collection method: clinical testing. Allele origin: germline. Not counted in ClinVar's aggregate classification.
Comment: This variant is classified as benign based on ACMG/AMP sequence variant interpretation guidelines (Richards et al. 2015 PMID: 25741868, with internal and published modifications).